The following is an entry in ClinVar:

ClinVar aggregate classification (germline): Uncertain significance. Review status: criteria provided, multiple submitters, no conflicts (2 of 4 stars). 5 submissions from 5 submitters: Uncertain significance (5). Last evaluated 2026-01-02.

Conditions:
Polycystic liver disease 4 with or without kidney cysts. Identifiers: MedGen C4693479, MONDO:0044327, OMIM 617875.
Exudative vitreoretinopathy 1 (EVR1). Also called: CRISWICK-SCHEPENS SYNDROME; FEVR, AUTOSOMAL DOMINANT; Familial exudative vitreoretinopathy, autosomal dominant. Identifiers: Orphanet 891, Orphanet 90050, MedGen C1851402, MONDO:0007589, OMIM 133780.
Osteoporosis with pseudoglioma (OPPG). Also called: osteoporosis-pseudoglioma syndrome. Identifiers: Orphanet 2788, MedGen C0432252, MONDO:0009820, OMIM 259770.
Exudative vitreoretinopathy 4 (EVR4). Identifiers: Orphanet 891, MedGen C1866176, MONDO:0011151, OMIM 601813.
Autosomal dominant osteopetrosis 1 (OPTA1). Also called: OSTEOPETROSIS, AUTOSOMAL DOMINANT, TYPE I. Identifiers: Orphanet 2783, MedGen C1843330, MONDO:0011877, OMIM 607634.
Osteoporosis. Identifiers: MedGen C0029456, MONDO:0005298, OMIM 166710, HP:0000939.
Worth disease. Also called: ENDOSTEAL HYPEROSTOSIS, AUTOSOMAL DOMINANT; OSTEOSCLEROSIS, AUTOSOMAL DOMINANT; Autosomal dominant osteosclerosis, Worth type. Identifiers: Orphanet 2790, MedGen C0432273, MONDO:0007764, OMIM 144750.
Bone mineral density quantitative trait locus 1 (BMND1). Identifiers: MedGen C1866079, OMIM 601884.
LRP5-related disorder. Also called: LRP5-related condition.

Allele frequency attached by ClinVar (database versions not stated): ExAC 0.00006; gnomAD 0.00006 and 0.00009; gnomAD exomes 0.00006 and 0.00009; ESP Exome Variant Server 0.00008; TOPMed 0.00009.
gnomAD v4.1: 147 of 1,613,458 alleles (0.0091%); highest among the groups gnomAD compares: East Asian, 0.011%; no homozygotes.

Submissions (5):

Labcorp Genetics (formerly Invitae), Labcorp
Classification: Uncertain significance. Last evaluated: 2026-01-02. Review status: criteria provided, single submitter. Criteria: Invitae Variant Classification Sherloc (09022015). Collection method: clinical testing. Allele origin: germline.
Comment: This sequence change replaces arginine, which is basic and polar, with cysteine, which is neutral and slightly polar, at codon 1113 of the LRP5 protein (p.Arg1113Cys). The frequency data for this variant in the population databases is considered unreliable, as metrics indicate poor data quality at this position in the gnomAD database. This missense change has been observed in individual(s) with osteoporosis-pseudoglioma syndrome (PMID: 16252235). ClinVar contains an entry for this variant (Variation ID: 857281). Invitae Evidence Modeling of protein sequence and biophysical properties (such as structural, functional, and spatial information, amino acid conservation, physicochemical variation, residue mobility, and thermodynamic stability) has been performed for this missense variant. However, the output from this modeling did not meet the statistical confidence thresholds required to predict the impact of this variant on LRP5 protein function. In summary, the available evidence is currently insufficient to determine the role of this variant in disease. Therefore, it has been classified as a Variant of Uncertain Significance.

PreventionGenetics, part of Exact Sciences
Classification: Uncertain significance for LRP5-related condition. Last evaluated: 2025-08-08. Review status: criteria provided, single submitter. Criteria: ACMG Guidelines, 2015. Collection method: clinical testing. Allele origin: germline.
Comment: The LRP5 c.3337C>T variant is predicted to result in the amino acid substitution p.Arg1113Cys. This variant has been reported in the  heterozygous state and along with another missense variant in the same gene, both reported in cis, in an individual with osteoporosis-pseudoglioma syndrome (Ai et al. 2005. PubMed ID: 16252235). This variant is reported in 0.010% of alleles in individuals of European (Non-Finnish) descent in gnomAD. At this time, the clinical significance of this variant is uncertain due to the absence of conclusive functional and genetic evidence.

Blueprint Genetics
Classification: Uncertain significance. Last evaluated: 2024-10-09. Review status: criteria provided, single submitter. Criteria: ACMG Guidelines, 2015. Collection method: clinical testing. Allele origin: germline.

Fulgent Genetics
Classification: Uncertain significance for Exudative vitreoretinopathy 1; Worth disease; Osteoporosis; Osteoporosis with pseudoglioma; Exudative vitreoretinopathy 4; Bone mineral density quantitative trait locus 1; Autosomal dominant osteopetrosis 1; Polycystic liver disease 4 with or without kidney cysts. Last evaluated: 2021-12-15. Review status: criteria provided, single submitter. Criteria: ACMG Guidelines, 2015. Collection method: clinical testing. Allele origin: unknown.

GeneDx
Classification: Uncertain significance. Last evaluated: 2020-03-02. Review status: criteria provided, single submitter. Criteria: GeneDx Variant Classification Process June 2021. Collection method: clinical testing. Allele origin: germline. Affected: yes.
Comment: Observed in cis with two other LRP5 variants in a patient with osteoporosis-pseudoglioma syndrome in published literature (Ai et al., 2005); In silico analysis supports that this missense variant has a deleterious effect on protein structure/function; This variant is associated with the following publications: (PMID: 16252235)

Literature cited by the submitters: PubMed 16252235 (cited by Labcorp Genetics (formerly Invitae), Labcorp).

NM_002335.4(LRP5):c.3337C>T (p.Arg1113Cys)

Gene: LRP5 (LDL receptor related protein 5; plus strand). Cytogenetic location: 11q13.2.
Variant type: single nucleotide variant.
Coding change: c.3337C>T on transcript NM_002335.4 (MANE Select); coding-DNA position 3337, C replaced by T.
Protein change: p.Arg1113Cys; replaces arginine 1113 with cysteine.
Molecular consequence: missense variant.
Genome position (GRCh38, 1-based): chr11:68,425,202, C>T. VCF-style: chr11-68425202-C-T. GRCh37 (hg19) VCF-style: chr11-68192670-C-T.
Other names: c.1594C>T, p.Arg532Cys (NM_001291902.2); short protein forms R1113C, R532C.
Identifiers: ClinVar variation 857281 (VCV000857281.12), dbSNP rs377258285, ClinGen allele CA6149953.